The following is an entry in ClinVar:

ClinVar aggregate classification (germline): Uncertain significance (1 of 4 stars; one submission).

Conditions:
Glycogen storage disease, type II (IOPD). Also called: Glucosidase acid-1,4-alpha deficiency; GSD II; POMPE DISEASE, INFANTILE-ONSET; GLYCOGEN STORAGE DISEASE II, INFANTILE-ONSET; ACID ALPHA-GLUCOSIDASE DEFICIENCY, INFANTILE-ONSET; GAA DEFICIENCY, INFANTILE-ONSET. Identifiers: Orphanet 365, MedGen C0017921, MONDO:0009290, OMIM 232300.

Allele frequency attached by ClinVar (database versions not stated): gnomAD exomes below 0.00001.
gnomAD v4.1: 2 of 1,612,240 alleles (0.00012%); highest among the groups gnomAD compares: South Asian, 0.0011%; no homozygotes.

Submission:

Labcorp Genetics (formerly Invitae), Labcorp
Classification: Uncertain significance for Glycogen storage disease, type II. Last evaluated: 2024-02-29. Review status: criteria provided, single submitter. Criteria: Invitae Variant Classification Sherloc (09022015). Collection method: clinical testing. Allele origin: germline.
Comment: This sequence change replaces threonine, which is neutral and polar, with serine, which is neutral and polar, at codon 156 of the GAA protein (p.Thr156Ser). This variant is not present in population databases (gnomAD no frequency). This variant has not been reported in the literature in individuals affected with GAA-related conditions. ClinVar contains an entry for this variant (Variation ID: 956244). Advanced modeling of protein sequence and biophysical properties (such as structural, functional, and spatial information, amino acid conservation, physicochemical variation, residue mobility, and thermodynamic stability) performed at Invitae indicates that this missense variant is not expected to disrupt GAA protein function with a negative predictive value of 95%. In summary, the available evidence is currently insufficient to determine the role of this variant in disease. Therefore, it has been classified as a Variant of Uncertain Significance.

NM_000152.5(GAA):c.466A>T (p.Thr156Ser)

Gene: GAA (alpha glucosidase; plus strand). Cytogenetic location: 17q25.3.
Variant type: single nucleotide variant.
Coding change: c.466A>T on transcript NM_000152.5 (MANE Select); coding-DNA position 466, A replaced by T.
Protein change: p.Thr156Ser; replaces threonine 156 with serine.
Molecular consequence: missense variant.
Genome position (GRCh38, 1-based): chr17:80,105,052, A>T. VCF-style: chr17-80105052-A-T. GRCh37 (hg19) VCF-style: chr17-78078851-A-T.
Other names: c.466A>T, p.Thr156Ser (NM_001079803.3, NM_001079804.3); short protein forms T156S.
Identifiers: ClinVar variation 956244 (VCV000956244.7), dbSNP rs1598570529, ClinGen allele CA401361558.